The following is an entry in ClinVar:

NM_006618.5(KDM5B):c.204+10G>C

Genes: KDM5B (lysine demethylase 5B; minus strand), LOC129932249 (ATAC-STARR-seq lymphoblastoid silent region 1705; plus strand). Cytogenetic location: 1q32.1.
Variant type: single nucleotide variant.
Coding change: c.204+10G>C on transcript NM_006618.5 (MANE Select); 10 bases into the intron after coding-DNA position 204, G replaced by C.
Molecular consequence: intron variant.
Genome position (GRCh38, 1-based): chr1:202,808,092, C>G on the plus strand (G>C on the coding strand, the complement: KDM5B is on the minus strand). VCF-style: chr1-202808092-C-G. GRCh37 (hg19) VCF-style: chr1-202777220-C-G.
Other names: c.189+25G>C (NM_001399817.1); c.204+10G>C (NM_001347591.2, NM_001314042.2).
Identifiers: ClinVar variation 4981855 (VCV004981855.1).

ClinVar aggregate classification (germline): Likely benign (1 of 4 stars; one submission).

Conditions:
KDM5B-related disorder. Also called: KDM5B-related condition.

gnomAD v4.1: 218 of 1,609,598 alleles (0.014%); highest among the groups gnomAD compares: Non-Finnish European, 0.0017%; no homozygotes.

Submission:

PreventionGenetics, part of Exact Sciences
Classification: Likely benign for KDM5B-related condition. Last evaluated: 2025-04-19. Review status: criteria provided, single submitter. Criteria: ACMG Guidelines, 2015. Collection method: clinical testing. Allele origin: germline.
Comment: This variant is classified as likely benign based on ACMG/AMP sequence variant interpretation guidelines (Richards et al. 2015 PMID: 25741868, with internal and published modifications).